The following is an entry in ClinVar:

NM_177924.5(ASAH1):c.179A>G (p.Lys60Arg)

Gene: ASAH1 (N-acylsphingosine amidohydrolase 1; minus strand). Cytogenetic location: 8p22.
Variant type: single nucleotide variant.
Coding change: c.179A>G on transcript NM_177924.5 (MANE Select); coding-DNA position 179, A replaced by G.
Protein change: p.Lys60Arg; replaces lysine 60 with arginine.
Molecular consequence: missense variant. On other transcripts: 5 prime UTR variant (1).
Genome position (GRCh38, 1-based): chr8:18,071,337, T>C on the plus strand (A>G on the coding strand, the complement: ASAH1 is on the minus strand). VCF-style: chr8-18071337-T-C. GRCh37 (hg19) VCF-style: chr8-17928846-T-C.
Other names: c.248A>G, p.Lys83Arg (NM_001127505.3); c.-17A>G (NM_001363743.2); c.227A>G, p.Lys76Arg (NM_004315.6); short protein forms K60R, K76R, K83R.
Identifiers: ClinVar variation 1471265 (VCV001471265.4), dbSNP rs1289727697, ClinGen allele CA370433956.
Genomic context (GRCh38, chr8:18,071,337, plus strand): 5'-AAGATTTAAGCATCATAGCATACCACTGGTGCCTTGTCAAGCATCAATTCATGCCATCTT[T>C]TGTAGGGTGGTAAGTCAAGATTTATGGTGTACCATGGAACTGCACCTCTGTACCTGTAAT-3'
Protein context (NP_808592.2, residues 50-70): YTINLDLPPY[Lys60Arg]RWHELMLDKA

ClinVar aggregate classification (germline): Uncertain significance (1 of 4 stars; one submission).

Allele frequency attached by ClinVar (database versions not stated): gnomAD exomes below 0.00001; TOPMed below 0.00001.
gnomAD v4.1: 1 of 1,605,280 alleles (0.000062%); highest among the groups gnomAD compares: Admixed American, 0.0017%; no homozygotes.

Submission:

Labcorp Genetics (formerly Invitae), Labcorp
Classification: Uncertain significance. Last evaluated: 2022-02-08. Review status: criteria provided, single submitter. Criteria: Invitae Variant Classification Sherloc (09022015). Collection method: clinical testing. Allele origin: germline.
Comment: Algorithms developed to predict the effect of missense changes on protein structure and function (SIFT, PolyPhen-2, Align-GVGD) all suggest that this variant is likely to be tolerated. In summary, the available evidence is currently insufficient to determine the role of this variant in disease. Therefore, it has been classified as a Variant of Uncertain Significance. Algorithms developed to predict the effect of sequence changes on RNA splicing suggest that this variant may create or strengthen a splice site. This variant has not been reported in the literature in individuals affected with ASAH1-related conditions. The frequency data for this variant in the population databases is considered unreliable, as metrics indicate poor data quality at this position in the gnomAD database. This sequence change replaces lysine, which is basic and polar, with arginine, which is basic and polar, at codon 60 of the ASAH1 protein (p.Lys60Arg).